The following is an entry in ClinVar:

NM_020738.4(KIDINS220):c.3472C>T (p.Leu1158Phe)

Gene: KIDINS220 (kinase D interacting substrate 220; minus strand). Cytogenetic location: 2p25.1.
Variant type: single nucleotide variant.
Coding change: c.3472C>T on transcript NM_020738.4 (MANE Select); coding-DNA position 3472, C replaced by T.
Protein change: p.Leu1158Phe; replaces leucine 1158 with phenylalanine.
Molecular consequence: missense variant. On other transcripts: intron variant (8), non-coding transcript variant (1).
Genome position (GRCh38, 1-based): chr2:8,747,943, G>A on the plus strand (C>T on the coding strand, the complement: KIDINS220 is on the minus strand). VCF-style: chr2-8747943-G-A. GRCh37 (hg19) VCF-style: chr2-8888073-G-A.
Other names: c.3414+2169C>T (NM_001348741.2, NM_001348742.2, NM_001348743.2 and 1 more transcripts); c.3417+2169C>T (NM_001348739.2, NM_001348740.2, NM_001348734.2); c.3288+2169C>T (NM_001348736.2); c.3475C>T, p.Leu1159Phe (NM_001348729.2, NM_001348731.2); c.3472C>T, p.Leu1158Phe (NM_001348732.2, NM_001348738.2); short protein forms L1158F, L1159F.
Identifiers: ClinVar variation 3701755 (VCV003701755.2).

ClinVar aggregate classification (germline): Uncertain significance (1 of 4 stars; one submission).

gnomAD v4.1: 1 of 1,606,716 alleles (0.000062%); highest among the groups gnomAD compares: Non-Finnish European, 0.000085%; no homozygotes.

Submission:

Labcorp Genetics (formerly Invitae), Labcorp
Classification: Uncertain significance. Last evaluated: 2024-05-26. Review status: criteria provided, single submitter. Criteria: Invitae Variant Classification Sherloc (09022015). Collection method: clinical testing. Allele origin: germline.
Comment: This sequence change replaces leucine, which is neutral and non-polar, with phenylalanine, which is neutral and non-polar, at codon 1158 of the KIDINS220 protein (p.Leu1158Phe). This variant is not present in population databases (gnomAD no frequency). This variant has not been reported in the literature in individuals affected with KIDINS220-related conditions. Experimental studies and prediction algorithms are not available or were not evaluated, and the functional significance of this variant is currently unknown. In summary, the available evidence is currently insufficient to determine the role of this variant in disease. Therefore, it has been classified as a Variant of Uncertain Significance.